The following is an entry in ClinVar:

ClinVar aggregate classification (germline): Uncertain significance. Review status: criteria provided, multiple submitters, no conflicts (2 of 4 stars). 5 submissions from 4 submitters: Uncertain significance (5). Last evaluated 2025-10-01.

Conditions:
Atrichia with papular lesions (APL). Also called: PAPULAR ATRICHIA. Identifiers: Orphanet 86819, MedGen C1859592, MONDO:0008847, OMIM 209500.
Inborn genetic diseases. Identifiers: MedGen C0950123, MeSH D030342.
Alopecia universalis congenita (ALUNC). Also called: ATRICHIA, GENERALIZED. Identifiers: Orphanet 701, MedGen C1859877, MONDO:0008757, OMIM 203655.

Allele frequency attached by ClinVar (database versions not stated): ESP Exome Variant Server 0.00008; gnomAD 0.00016; TOPMed 0.00068; 1000 Genomes Project 30x 0.00094; 1000 Genomes Project 0.00100.

Submissions (5):

Labcorp Genetics (formerly Invitae), Labcorp
Classification: Uncertain significance. Last evaluated: 2025-10-01. Review status: criteria provided, single submitter. Criteria: Invitae Variant Classification Sherloc (09022015). Collection method: clinical testing. Allele origin: germline.
Comment: This sequence change replaces proline, which is neutral and non-polar, with serine, which is neutral and polar, at codon 426 of the HR protein (p.Pro426Ser). This variant is present in population databases (rs151036296, gnomAD 0.06%). This variant has not been reported in the literature in individuals affected with HR-related conditions. ClinVar contains an entry for this variant (Variation ID: 362522). An algorithm developed to predict the effect of missense changes on protein structure and function (PolyPhen-2) suggests that this variant is likely to be disruptive. In summary, the available evidence is currently insufficient to determine the role of this variant in disease. Therefore, it has been classified as a Variant of Uncertain Significance.

Ambry Genetics
Classification: Uncertain significance for Inborn genetic diseases. Last evaluated: 2023-11-28. Review status: criteria provided, single submitter. Criteria: Ambry Variant Classification Scheme 2023. Collection method: clinical testing. Allele origin: germline.

Illumina Laboratory Services, Illumina
Classification: Uncertain significance for Atrichia with papular lesions. Last evaluated: 2018-01-12. Review status: criteria provided, single submitter. Criteria: ICSL Variant Classification Criteria 13 December 2019. Collection method: clinical testing. Allele origin: germline.

Illumina Laboratory Services, Illumina
Classification: Uncertain significance for Alopecia universalis congenita. Last evaluated: 2018-01-12. Review status: criteria provided, single submitter. Criteria: ICSL Variant Classification Criteria 13 December 2019. Collection method: clinical testing. Allele origin: germline.

Breakthrough Genomics
Classification: Uncertain significance. Review status: criteria provided, single submitter. Criteria: ACMG Guidelines, 2015. Collection method: not provided. Allele origin: germline. Inheritance: Autosomal recessive inheritance. Affected: yes.

NM_005144.5(HR):c.1276C>T (p.Pro426Ser)

Gene: HR (HR lysine demethylase and nuclear receptor corepressor; minus strand). Cytogenetic location: 8p21.3.
Variant type: single nucleotide variant.
Coding change: c.1276C>T on transcript NM_005144.5 (MANE Select); coding-DNA position 1276, C replaced by T.
Protein change: p.Pro426Ser; replaces proline 426 with serine.
Molecular consequence: missense variant.
Genome position (GRCh38, 1-based): chr8:22,127,166, G>A on the plus strand (C>T on the coding strand, the complement: HR is on the minus strand). VCF-style: chr8-22127166-G-A. GRCh37 (hg19) VCF-style: chr8-21984679-G-A.
Other names: c.1276C>T, p.Pro426Ser (NM_018411.4); short protein forms P426S.
Identifiers: ClinVar variation 362522 (VCV000362522.10), dbSNP rs151036296, ClinGen allele CA4662524.